The following is an entry in ClinVar:

ClinVar aggregate classification (germline): Likely benign (1 of 4 stars; one submission).

gnomAD v4.1: 932 of 1,606,206 alleles (0.058%); highest among the groups gnomAD compares: Middle Eastern, 0.55%; 5 homozygotes.

Submission:

CeGaT Center for Human Genetics Tuebingen
Classification: Likely benign. Last evaluated: 2025-09-01. Review status: criteria provided, single submitter. Criteria: CeGaT Center For Human Genetics Tuebingen Variant Classification Criteria Version 2. Collection method: clinical testing. Allele origin: germline. Affected: yes. Observed: 1 variant allele.
Comment: CHD5: BP4, BP7

NM_015557.3(CHD5):c.1272C>T (p.Asp424=)

Gene: CHD5 (chromodomain helicase DNA binding protein 5; minus strand). Cytogenetic location: 1p36.31.
Variant type: single nucleotide variant.
Coding change: c.1272C>T on transcript NM_015557.3 (MANE Select); coding-DNA position 1272, C replaced by T.
Protein change: p.Asp424=; no amino-acid change (aspartic acid 424 retained).
Molecular consequence: synonymous variant.
Genome position (GRCh38, 1-based): chr1:6,148,965, G>A on the plus strand (C>T on the coding strand, the complement: CHD5 is on the minus strand). VCF-style: chr1-6148965-G-A. GRCh37 (hg19) VCF-style: chr1-6209025-G-A.
Identifiers: ClinVar variation 4280784 (VCV004280784.7).